The following is an entry in ClinVar:

NM_001349253.2(SCN11A):c.4057-3C>T

Gene: SCN11A (sodium voltage-gated channel alpha subunit 11; minus strand). Cytogenetic location: 3p22.2.
Variant type: single nucleotide variant.
Coding change: c.4057-3C>T on transcript NM_001349253.2 (MANE Select); 3 bases into the intron before coding-DNA position 4057, C replaced by T.
Molecular consequence: intron variant.
Genome position (GRCh38, 1-based): chr3:38,850,754, G>A on the plus strand (C>T on the coding strand, the complement: SCN11A is on the minus strand). VCF-style: chr3-38850754-G-A. GRCh37 (hg19) VCF-style: chr3-38892245-G-A.
Other names: c.4057-3C>T (NM_014139.3).
Identifiers: ClinVar variation 3760345 (VCV003760345.2).

ClinVar aggregate classification (germline): Uncertain significance (1 of 4 stars; one submission).

Conditions:
Hereditary sensory and autonomic neuropathy type 7. Also called: HSAN VII; Neuropathy, hereditary sensory and autonomic, type VII. Identifiers: Orphanet 391397, MedGen C3809882, MONDO:0014244, OMIM 615548.
Familial episodic pain syndrome with predominantly lower limb involvement. Also called: Episodic pain syndrome, familial, 3. Identifiers: Orphanet 391384, Orphanet 391392, MedGen C3809899, MONDO:0014247, OMIM 615552.

gnomAD v4.1: 2 of 1,555,674 alleles (0.00013%); highest among the groups gnomAD compares: East Asian, 0.0023%; no homozygotes.

Submission:

Labcorp Genetics (formerly Invitae), Labcorp
Classification: Uncertain significance for Familial episodic pain syndrome with predominantly lower limb involvement; Hereditary sensory and autonomic neuropathy type 7. Last evaluated: 2025-01-19. Review status: criteria provided, single submitter. Criteria: Invitae Variant Classification Sherloc (09022015). Collection method: clinical testing. Allele origin: germline.
Comment: This sequence change falls in intron 24 of the SCN11A gene. It does not directly change the encoded amino acid sequence of the SCN11A protein. It affects a nucleotide within the consensus splice site. This variant is not present in population databases (gnomAD no frequency). This variant has not been reported in the literature in individuals affected with SCN11A-related conditions. Variants that disrupt the consensus splice site are a relatively common cause of aberrant splicing (PMID: 17576681, 9536098). Algorithms developed to predict the effect of sequence changes on RNA splicing suggest that this variant is not likely to affect RNA splicing. In summary, the available evidence is currently insufficient to determine the role of this variant in disease. Therefore, it has been classified as a Variant of Uncertain Significance.

Literature cited by the submitters: PubMed 17576681; PubMed 9536098.